The following is an entry in ClinVar:

ClinVar aggregate classification (germline): Likely benign. Review status: criteria provided, multiple submitters, no conflicts (2 of 4 stars). 2 submissions from 2 submitters: Likely benign (2). Last evaluated 2018-06-19.

Allele frequency attached by ClinVar (database versions not stated): gnomAD 0.01641 and 0.01705; TOPMed 0.01650; 1000 Genomes Project 0.01997; 1000 Genomes Project 30x 0.02046; gnomAD exomes 0.02102.
gnomAD v4.1: 19,036 of 929,342 alleles (2%); highest among the groups gnomAD compares: East Asian, 2.9%; 242 homozygotes.

Submissions (2):

GeneDx
Classification: Likely benign. Last evaluated: 2018-06-19. Review status: criteria provided, single submitter. Criteria: GeneDx Variant Classification (06012015). Collection method: clinical testing. Allele origin: germline. Affected: yes.
Comment: This variant is considered likely benign or benign based on one or more of the following criteria: it is a conservative change, it occurs at a poorly conserved position in the protein, it is predicted to be benign by multiple in silico algorithms, and/or has population frequency not consistent with disease.

Breakthrough Genomics
Classification: Likely benign. Review status: criteria provided, single submitter. Criteria: ACMG Guidelines, 2015. Collection method: not provided. Allele origin: germline. Inheritance: Autosomal dominant inheritance. Affected: yes.

NM_000093.5(COL5A1):c.3115-108C>T

Gene: COL5A1 (collagen type V alpha 1 chain; plus strand). Cytogenetic location: 9q34.3.
Variant type: single nucleotide variant.
Coding change: c.3115-108C>T on transcript NM_000093.5 (MANE Select); 108 bases into the intron before coding-DNA position 3115, C replaced by T.
Molecular consequence: intron variant.
Genome position (GRCh38, 1-based): chr9:134,804,867, C>T. VCF-style: chr9-134804867-C-T. GRCh37 (hg19) VCF-style: chr9-137696713-C-T.
Other names: c.3115-108C>T (NM_001278074.1).
Identifiers: ClinVar variation 674562 (VCV000674562.2), dbSNP rs62571403, ClinGen allele CA201080224.